The following is an entry in ClinVar:

NM_032119.4(ADGRV1):c.18477G>A (p.Met6159Ile)

Gene: ADGRV1 (adhesion G protein-coupled receptor V1; plus strand). Cytogenetic location: 5q14.3.
Variant type: single nucleotide variant.
Coding change: c.18477G>A on transcript NM_032119.4 (MANE Select); coding-DNA position 18477, G replaced by A.
Protein change: p.Met6159Ile; replaces methionine 6159 with isoleucine.
Molecular consequence: missense variant. On other transcripts: non-coding transcript variant (1).
Genome position (GRCh38, 1-based): chr5:91,150,074, G>A. VCF-style: chr5-91150074-G-A. GRCh37 (hg19) VCF-style: chr5-90445891-G-A.
Other names: short protein forms M6159I.
Identifiers: ClinVar variation 1021196 (VCV001021196.7), dbSNP rs377227875, ClinGen allele CA123050770.
Genomic context (GRCh38, chr5:91,150,074, plus strand): 5'-TTTTTTTTTTTTGCAGGGACTTTATGTTTTCATGGTTTATTTCATTTTACACAACCAAAT[G>A]TGTTGCCCTATGAAGGCCAGTTACACTGTGGAAATGAATGGGCATCCTGGACCCAGCACA-3'
Protein context (NP_115495.3, residues 6149-6169): FMVYFILHNQ[Met6159Ile]CCPMKASYTV

ClinVar aggregate classification (germline): Uncertain significance. Review status: criteria provided, multiple submitters, no conflicts (2 of 4 stars). 2 submissions from 2 submitters: Uncertain significance (2). Last evaluated 2024-02-22.

Allele frequency attached by ClinVar (database versions not stated): gnomAD exomes below 0.00001 and 0.00001; gnomAD 0.00001; ESP Exome Variant Server 0.00008.
gnomAD v4.1: 7 of 1,525,422 alleles (0.00046%); highest among the groups gnomAD compares: East Asian, 0.0026%; no homozygotes.

Submissions (2):

Blueprint Genetics
Classification: Uncertain significance. Last evaluated: 2024-02-22. Review status: criteria provided, single submitter. Criteria: ACMG Guidelines, 2015. Collection method: clinical testing. Allele origin: germline.

Labcorp Genetics (formerly Invitae), Labcorp
Classification: Uncertain significance. Last evaluated: 2022-02-03. Review status: criteria provided, single submitter. Criteria: Invitae Variant Classification Sherloc (09022015). Collection method: clinical testing. Allele origin: germline.
Comment: This sequence change replaces methionine, which is neutral and non-polar, with isoleucine, which is neutral and non-polar, at codon 6159 of the ADGRV1 protein (p.Met6159Ile). This variant is present in population databases (rs377227875, gnomAD 0.003%). This variant has not been reported in the literature in individuals affected with ADGRV1-related conditions. ClinVar contains an entry for this variant (Variation ID: 1021196). Algorithms developed to predict the effect of missense changes on protein structure and function (SIFT, PolyPhen-2, Align-GVGD) all suggest that this variant is likely to be tolerated. In summary, the available evidence is currently insufficient to determine the role of this variant in disease. Therefore, it has been classified as a Variant of Uncertain Significance.